The following is an entry in ClinVar:

NM_000080.4(CHRNE):c.1031A>G (p.His344Arg)

Gene: CHRNE (cholinergic receptor nicotinic epsilon subunit; minus strand). Cytogenetic location: 17p13.2.
Variant type: single nucleotide variant.
Coding change: c.1031A>G on transcript NM_000080.4 (MANE Select); coding-DNA position 1031, A replaced by G.
Protein change: p.His344Arg; replaces histidine 344 with arginine.
Molecular consequence: missense variant.
Genome position (GRCh38, 1-based): chr17:4,899,469, T>C on the plus strand (A>G on the coding strand, the complement: CHRNE is on the minus strand). VCF-style: chr17-4899469-T-C. GRCh37 (hg19) VCF-style: chr17-4802764-T-C.
Other names: c.1031A>G (NM_000080.3); short protein forms H344R.
Identifiers: ClinVar variation 2195153 (VCV002195153.2), dbSNP rs756571784, ClinGen allele CA8314072.

ClinVar aggregate classification (germline): Uncertain significance. Review status: criteria provided, multiple submitters, no conflicts (2 of 4 stars). 2 submissions from 2 submitters: Uncertain significance (2). Last evaluated 2022-06-24.

Conditions:
Inborn genetic diseases. Identifiers: MedGen C0950123, MeSH D030342.
Congenital myasthenic syndrome 4A. Also called: Myasthenic syndrome, congenital, 4a, slow-channel; MYASTHENIC SYNDROME, CONGENITAL, 4A, SLOW-CHANNEL, AUTOSOMAL RECESSIVE; CONGENITAL MYASTHENIC SYNDROME TYPE Ia1. Identifiers: Orphanet 590, MedGen C4225413, MONDO:0011600, OMIM 605809.

Allele frequency attached by ClinVar (database versions not stated): gnomAD 0.00001; gnomAD exomes 0.00002; ExAC 0.00007.
gnomAD v4.1: 24 of 1,588,586 alleles (0.0015%); highest among the groups gnomAD compares: South Asian, 0.024%; no homozygotes.

Submissions (2):

Ambry Genetics
Classification: Uncertain significance for Inborn genetic diseases. Last evaluated: 2022-06-24. Review status: criteria provided, single submitter. Criteria: Ambry Variant Classification Scheme 2023. Collection method: clinical testing. Allele origin: germline.

Labcorp Genetics (formerly Invitae), Labcorp
Classification: Uncertain significance for Congenital myasthenic syndrome 4A. Last evaluated: 2022-01-15. Review status: criteria provided, single submitter. Criteria: Invitae Variant Classification Sherloc (09022015). Collection method: clinical testing. Allele origin: germline.
Comment: This sequence change replaces histidine, which is basic and polar, with arginine, which is basic and polar, at codon 344 of the CHRNE protein (p.His344Arg). The frequency data for this variant in the population databases is considered unreliable, as metrics indicate poor data quality at this position in the gnomAD database. This variant has not been reported in the literature in individuals affected with CHRNE-related conditions. Algorithms developed to predict the effect of missense changes on protein structure and function (SIFT, PolyPhen-2, Align-GVGD) all suggest that this variant is likely to be tolerated. In summary, the available evidence is currently insufficient to determine the role of this variant in disease. Therefore, it has been classified as a Variant of Uncertain Significance.